The following is an entry in ClinVar:

ClinVar aggregate classification (germline): Conflicting classifications of pathogenicity. Review status: criteria provided, conflicting classifications (1 of 4 stars). 2 submissions from 2 submitters: Uncertain significance (1); Likely benign (1). Last evaluated 2021-10-20.

Allele frequency attached by ClinVar (database versions not stated): TOPMed 0.00009; gnomAD 0.00022; 1000 Genomes Project 30x 0.00047; 1000 Genomes Project 0.00060.
gnomAD v4.1: 41 of 1,614,224 alleles (0.0025%); highest among the groups gnomAD compares: African/African-American, 0.049%; no homozygotes.

Submissions (2):

Labcorp Genetics (formerly Invitae), Labcorp
Classification: Likely benign. Last evaluated: 2021-10-20. Review status: criteria provided, single submitter. Criteria: Invitae Variant Classification Sherloc (09022015). Collection method: clinical testing. Allele origin: germline.

GeneDx
Classification: Uncertain significance. Last evaluated: 2019-04-24. Review status: criteria provided, single submitter. Criteria: GeneDx Variant Classification Process June 2021. Collection method: clinical testing. Allele origin: germline. Affected: yes.
Comment: Has not been previously published as pathogenic or benign to our knowledge

NM_153676.4(USH1C):c.2039C>A (p.Pro680Gln)

Gene: USH1C (USH1 protein network component harmonin; minus strand). Cytogenetic location: 11p15.1.
Variant type: single nucleotide variant.
Coding change: c.2039C>A on transcript NM_153676.4 (MANE Select); coding-DNA position 2039, C replaced by A.
Protein change: p.Pro680Gln; replaces proline 680 with glutamine.
Molecular consequence: missense variant. On other transcripts: intron variant (2).
Genome position (GRCh38, 1-based): chr11:17,505,924, G>T on the plus strand (C>A on the coding strand, the complement: USH1C is on the minus strand). VCF-style: chr11-17505924-G-T. GRCh37 (hg19) VCF-style: chr11-17527471-G-T.
Other names: c.1228-3944C>A (NM_001297764.2); c.1285-3944C>A (NM_005709.4); short protein forms P680Q.
Identifiers: ClinVar variation 765914 (VCV000765914.11), dbSNP rs187147906, ClinGen allele CA5904371.
Genomic context (GRCh38, chr11:17,505,924, plus strand): 5'-AAATTGGGCTCCTGGTGGACCATGACAGGTTTGGAGATGGTGGACACGCCAGGGCCTCGT[G>T]GAGGCTGTGGGCTTGGGCAAAATGTCTAAGGAGTTAGTTTAACAGGGACCCAGGTGAGGT-3'
Protein context (NP_710142.1, residues 670-690): PKTFCPSPQP[Pro680Gln]RGPGVSTISK